The following is an entry in ClinVar:

ClinVar aggregate classification (germline): Likely pathogenic (1 of 4 stars; one submission).

Submission:

Dasa
Classification: Likely pathogenic. Last evaluated: 2025-07-23. Review status: criteria provided, single submitter. Criteria: DASA Assertion Criteria. Collection method: clinical testing. Allele origin: germline.
Comment: NM_007055.4(POLR3A):c.1185+1_1185+3del is a splice-region variant predicted to affect normal RNA splicing. This variant is absent from population databases. Based on the currently available evidence, this variant is classified as likely pathogenic.

NM_007055.4(POLR3A):c.1185+1_1185+3del

Gene: POLR3A (RNA polymerase III subunit A; minus strand). Cytogenetic location: 10q22.3.
Variant type: Deletion.
Coding change: c.1185+1_1185+3del on transcript NM_007055.4 (MANE Select); the canonical splice donor site of the intron after coding-DNA position 1185 through 3 bases into the intron after coding-DNA position 1185, 3 bases deleted (GTA; older notation c.1185+1_1185+3delGTA).
Molecular consequence: splice donor variant.
Genome position (GRCh38, 1-based): chr10:78,021,543-78,021,545, TAC deleted on the plus strand (GTA on the coding strand, the reverse complement: POLR3A is on the minus strand). VCF-style (leftmost placement, unchanged base first): chr10-78021542-TTAC-T. GRCh37 (hg19) VCF-style: chr10-79781300-TTAC-T.
Identifiers: ClinVar variation 4886554 (VCV004886554.2).
Genomic context (GRCh38, chr10:78,021,542, plus strand): 5'-ACCAAAATATAACGTAAAAGACTGAATTTAAAACAAAGAATTGAGCAGCTGAGTGGTCAC[TTAC>T]CTTCTCAGGAAAAGTTAGAATTTTGGCCACATGAACTGGCACAGCTACCTCATCAATCCG-3'